The following is an entry in ClinVar:

NM_005450.6(NOG):c.217C>G (p.His73Asp)

Gene: NOG (noggin; plus strand). Cytogenetic location: 17q22.
Variant type: single nucleotide variant.
Coding change: c.217C>G on transcript NM_005450.6 (MANE Select); coding-DNA position 217, C replaced by G.
Protein change: p.His73Asp; replaces histidine 73 with aspartic acid.
Molecular consequence: missense variant.
Genome position (GRCh38, 1-based): chr17:56,594,440, C>G. VCF-style: chr17-56594440-C-G. GRCh37 (hg19) VCF-style: chr17-54671801-C-G.
Other names: short protein forms H73D.
Identifiers: ClinVar variation 3721793 (VCV003721793.2).

ClinVar aggregate classification (germline): Uncertain significance (1 of 4 stars; one submission).

Submission:

Labcorp Genetics (formerly Invitae), Labcorp
Classification: Uncertain significance. Last evaluated: 2024-09-29. Review status: criteria provided, single submitter. Criteria: Invitae Variant Classification Sherloc (09022015). Collection method: clinical testing. Allele origin: germline.
Comment: This sequence change replaces histidine, which is basic and polar, with aspartic acid, which is acidic and polar, at codon 73 of the NOG protein (p.His73Asp). This variant is not present in population databases (gnomAD no frequency). This variant has not been reported in the literature in individuals affected with NOG-related conditions. An algorithm developed to predict the effect of missense changes on protein structure and function (PolyPhen-2) suggests that this variant is likely to be tolerated. In summary, the available evidence is currently insufficient to determine the role of this variant in disease. Therefore, it has been classified as a Variant of Uncertain Significance.